The following is an entry in ClinVar:

NM_201253.3(CRB1):c.2914G>T (p.Glu972Ter)

Gene: CRB1 (crumbs cell polarity complex component 1; plus strand). Cytogenetic location: 1q31.3.
Variant type: single nucleotide variant.
Coding change: c.2914G>T on transcript NM_201253.3 (MANE Select); coding-DNA position 2914, G replaced by T.
Protein change: p.Glu972Ter; replaces glutamic acid 972 with a stop codon.
Molecular consequence: nonsense. On other transcripts: non-coding transcript variant (2), intron variant (1).
Genome position (GRCh38, 1-based): chr1:197,434,777, G>T. VCF-style: chr1-197434777-G-T. GRCh37 (hg19) VCF-style: chr1-197403907-G-T.
Other names: c.2578G>T, p.Glu860Ter (NM_001193640.2); c.2842G>T, p.Glu948Ter (NM_001257965.2); c.2129-823G>T (NM_001257966.2); c.2914G>T (NM_201253.2); short protein forms E860*, E948*, E972*.
Identifiers: ClinVar variation 987281 (VCV000987281.3), dbSNP rs1665045248, ClinGen allele CA344043483.

ClinVar aggregate classification (germline): Pathogenic/Likely pathogenic. Review status: criteria provided, multiple submitters, no conflicts (2 of 4 stars). 2 submissions from 2 submitters: Pathogenic (1); Likely pathogenic (1). Last evaluated 2025-09-19.

Conditions:
Leber congenital amaurosis (LCA). Also called: Leber's amaurosis. Identifiers: Orphanet 65, MedGen C0339527, MeSH D057130, MONDO:0018998.

Submissions (2):

Natera, Inc.
Classification: Likely pathogenic for Leber congenital amaurosis. Last evaluated: 2025-09-19. Review status: criteria provided, single submitter. Criteria: Natera Variant Classification Schema (03/2026). Collection method: clinical testing. Allele origin: germline.
Comment: The c.2914G>T variant in CRB1 is a nonsense variant predicted to introduce a stop codon at amino acid 972. This variant is expected to result in nonsense mediated decay, truncation, or a dysfunctional protein product. This variant is rare in the general population with a frequency below the threshold expected for the associated phenotype(s). Given the available evidence, this variant is classified as Likely Pathogenic.

Institute of Medical Genetics and Applied Genomics, University Hospital Tübingen
Classification: Pathogenic. Last evaluated: 2020-10-23. Review status: criteria provided, single submitter. Criteria: ACMG Guidelines, 2015. Collection method: clinical testing. Allele origin: germline. Inheritance: Autosomal recessive inheritance. Affected: yes.